The following is an entry in ClinVar:

NM_003172.4(SURF1):c.107-7T>G

Gene: SURF1 (SURF1 cytochrome c oxidase assembly factor; minus strand). Cytogenetic location: 9q34.2.
Variant type: single nucleotide variant.
Coding change: c.107-7T>G on transcript NM_003172.4 (MANE Select); 7 bases into the intron before coding-DNA position 107, T replaced by G.
Molecular consequence: intron variant.
Genome position (GRCh38, 1-based): chr9:133,354,964, A>C on the plus strand (T>G on the coding strand, the complement: SURF1 is on the minus strand). VCF-style: chr9-133354964-A-C. GRCh37 (hg19) VCF-style: chr9-136221819-A-C.
Other names: c.-221-7T>G (NM_001280787.1).
Identifiers: ClinVar variation 1926455 (VCV001926455.2), dbSNP rs782670045, ClinGen allele CA200833572.
Genomic context (GRCh38, chr9:133,354,964, plus strand): 5'-TGGCAGATGCTTCTGCTGCAGAACTGCCACATCTGCTTGGCCTCCAGGCCACCCCTGGAG[A>C]GTTTCACAACACTGACATGGAGCCAGAAGCCCTCGAACACAGACCTGGAGCAGCCCGTTC-3'

ClinVar aggregate classification (germline): Uncertain significance (1 of 4 stars; one submission).

Conditions:
Leigh syndrome (NULS). Also called: Leigh's necrotizing encephalopathy; Leigh's disease; Subacute necrotizing encephalopathy; Necrotizing encephalopathy infantile subacute of Leigh; LEIGH SYNDROME, NUCLEAR; Leigh's syndrome. Identifiers: Orphanet 506, MedGen C2931891, MONDO:0009723, OMIM 256000.

Allele frequency attached by ClinVar (database versions not stated): gnomAD exomes below 0.00001; TOPMed below 0.00001; gnomAD 0.00001.

Submission:

Labcorp Genetics (formerly Invitae), Labcorp
Classification: Uncertain significance for Leigh syndrome. Last evaluated: 2022-07-06. Review status: criteria provided, single submitter. Criteria: Invitae Variant Classification Sherloc (09022015). Collection method: clinical testing. Allele origin: germline.
Comment: This sequence change falls in intron 2 of the SURF1 gene. It does not directly change the encoded amino acid sequence of the SURF1 protein. This variant is present in population databases (rs782670045, gnomAD 0.01%). This variant has not been reported in the literature in individuals affected with SURF1-related conditions. Algorithms developed to predict the effect of sequence changes on RNA splicing suggest that this variant may disrupt the consensus splice site. In summary, the available evidence is currently insufficient to determine the role of this variant in disease. Therefore, it has been classified as a Variant of Uncertain Significance.